The following is an entry in ClinVar:

ClinVar aggregate classification (germline): Likely pathogenic (1 of 4 stars; one submission).

Conditions:
Agammaglobulinemia 6, autosomal recessive (AGM6). Also called: AGAMMAGLOBULINEMIA 6; AGAMMAGLOBULINEMIA, AUTOSOMAL RECESSIVE, DUE TO CD79B DEFECT. Identifiers: MedGen C3150207, MONDO:0012987, OMIM 612692.

Submission:

Labcorp Genetics (formerly Invitae), Labcorp
Classification: Likely pathogenic for Agammaglobulinemia 6, autosomal recessive. Last evaluated: 2025-04-03. Review status: criteria provided, single submitter. Criteria: Invitae Variant Classification Sherloc (09022015). Collection method: clinical testing. Allele origin: germline.
Comment: This sequence change affects an acceptor splice site in intron 3 of the CD79B gene. It is expected to disrupt RNA splicing. Variants that disrupt the donor or acceptor splice site typically lead to a loss of protein function (PMID: 16199547), and loss-of-function variants in CD79B are known to be pathogenic (PMID: 17709424). This variant is not present in population databases (gnomAD no frequency). This variant has not been reported in the literature in individuals affected with CD79B-related conditions. Algorithms developed to predict the effect of sequence changes on RNA splicing suggest that this variant may disrupt the consensus splice site. In summary, the currently available evidence indicates that the variant is pathogenic, but additional data are needed to prove that conclusively. Therefore, this variant has been classified as Likely Pathogenic.

Literature cited by the submitters: PubMed 16199547; PubMed 17709424.

NM_000626.4(CD79B):c.431-1G>A

Genes: GH-LCR (growth hormone locus control region; plus strand), CD79B (CD79b molecule; minus strand). Cytogenetic location: 17q23.3.
Variant type: single nucleotide variant.
Coding change: c.431-1G>A on transcript NM_000626.4 (MANE Select); the canonical splice acceptor site of the intron before coding-DNA position 431, G replaced by A.
Molecular consequence: splice acceptor variant.
Genome position (GRCh38, 1-based): chr17:63,929,889, C>T on the plus strand (G>A on the coding strand, the complement: CD79B is on the minus strand). VCF-style: chr17-63929889-C-T. GRCh37 (hg19) VCF-style: chr17-62007249-C-T.
Other names: c.119-1G>A (NM_021602.4); c.122-1G>A (NM_001329050.2); c.434-1G>A (NM_001039933.3).
Identifiers: ClinVar variation 4716696 (VCV004716696.1).